The following is an entry in ClinVar:

NM_014014.5(SNRNP200):c.1786A>G (p.Ile596Val)

Gene: SNRNP200 (small nuclear ribonucleoprotein U5 subunit 200; minus strand). Cytogenetic location: 2q11.2.
Variant type: single nucleotide variant.
Coding change: c.1786A>G on transcript NM_014014.5 (MANE Select); coding-DNA position 1786, A replaced by G.
Protein change: p.Ile596Val; replaces isoleucine 596 with valine.
Molecular consequence: missense variant.
Genome position (GRCh38, 1-based): chr2:96,295,544, T>C on the plus strand (A>G on the coding strand, the complement: SNRNP200 is on the minus strand). VCF-style: chr2-96295544-T-C. GRCh37 (hg19) VCF-style: chr2-96961282-T-C.
Other names: short protein forms I596V.
Identifiers: ClinVar variation 930353 (VCV000930353.3), dbSNP rs1471564053, ClinGen allele CA347680796.

ClinVar aggregate classification (germline): Uncertain significance (1 of 4 stars; one submission).

Conditions:
Retinitis pigmentosa 33 (RP33). Identifiers: Orphanet 791, MedGen C1835895, MONDO:0012477, OMIM 610359.

Allele frequency attached by ClinVar (database versions not stated): TOPMed below 0.00001.

Submission:

Centre for Mendelian Genomics, University Medical Centre Ljubljana
Classification: Uncertain significance for Retinitis pigmentosa 33. Last evaluated: 2016-01-01. Review status: criteria provided, single submitter. Criteria: ACMG Guidelines, 2015. Collection method: clinical testing. Allele origin: unknown. Affected: yes.
Comment: This variant was classified as: Uncertain significance. The following ACMG criteria were applied in classifying this variant: PM2.